The following is an entry in ClinVar:

NM_017780.4(CHD7):c.8105G>T (p.Arg2702Leu)

Gene: CHD7 (chromodomain helicase DNA binding protein 7; plus strand). Cytogenetic location: 8q12.2.
Variant type: single nucleotide variant.
Coding change: c.8105G>T on transcript NM_017780.4 (MANE Select); coding-DNA position 8105, G replaced by T.
Protein change: p.Arg2702Leu; replaces arginine 2702 with leucine.
Molecular consequence: missense variant.
Genome position (GRCh38, 1-based): chr8:60,865,044, G>T. VCF-style: chr8-60865044-G-T. GRCh37 (hg19) VCF-style: chr8-61777603-G-T.
Other names: c.1958G>T, p.Arg653Leu (NM_001316690.1); short protein forms R653L, R2702L.
Identifiers: ClinVar variation 2811815 (VCV002811815.3), dbSNP rs1563673267, ClinGen allele CA371307211.

ClinVar aggregate classification (germline): Uncertain significance (1 of 4 stars; one submission).

Conditions:
CHARGE syndrome (CHARGE). Also called: Hittner Hirsch Kreh syndrome; CHARGE ASSOCIATION--COLOBOMA, HEART ANOMALY, CHOANAL ATRESIA, RETARDATION, GENITAL AND EAR ANOMALIES; Coloboma, heart anomaly, choanal atresia, retardation, genital and ear anomalies; CHARGE association; Hall-Hittner syndrome. Identifiers: Orphanet 138, MedGen C0265354, MONDO:0008965.

gnomAD v4.1: 2 of 1,605,308 alleles (0.00012%); highest among the groups gnomAD compares: South Asian, 0.0011%; no homozygotes.

Submission:

Labcorp Genetics (formerly Invitae), Labcorp
Classification: Uncertain significance for CHARGE syndrome. Last evaluated: 2025-07-19. Review status: criteria provided, single submitter. Criteria: Invitae Variant Classification Sherloc (09022015). Collection method: clinical testing. Allele origin: germline.
Comment: This sequence change replaces arginine, which is basic and polar, with leucine, which is neutral and non-polar, at codon 2702 of the CHD7 protein (p.Arg2702Leu). This variant is not present in population databases (gnomAD no frequency). This variant has not been reported in the literature in individuals affected with CHD7-related conditions. ClinVar contains an entry for this variant (Variation ID: 2811815). Invitae Evidence Modeling of protein sequence and biophysical properties (such as structural, functional, and spatial information, amino acid conservation, physicochemical variation, residue mobility, and thermodynamic stability) indicates that this missense variant is not expected to disrupt CHD7 protein function with a negative predictive value of 95%. In summary, the available evidence is currently insufficient to determine the role of this variant in disease. Therefore, it has been classified as a Variant of Uncertain Significance.